The following is an entry in ClinVar:

NM_004963.4(GUCY2C):c.3067C>T (p.Gln1023Ter)

Genes: GUCY2C (guanylate cyclase 2C; minus strand), PLBD1-AS1 (PLBD1 antisense RNA 1; plus strand). Cytogenetic location: 12p12.3.
Variant type: single nucleotide variant.
Coding change: c.3067C>T on transcript NM_004963.4 (MANE Select); coding-DNA position 3067, C replaced by T.
Protein change: p.Gln1023Ter; replaces glutamine 1023 with a stop codon.
Molecular consequence: nonsense.
Genome position (GRCh38, 1-based): chr12:14,613,272, G>A on the plus strand (C>T on the coding strand, the complement: GUCY2C is on the minus strand). VCF-style: chr12-14613272-G-A. GRCh37 (hg19) VCF-style: chr12-14766206-G-A.
Other names: short protein forms Q1023*.
Identifiers: ClinVar variation 1020157 (VCV001020157.6), dbSNP rs1946688379, ClinGen allele CA383989591.
Genomic context (GRCh38, chr12:14,613,272, plus strand): 5'-TTATCCCTGCTGCCTGTCTTTTCTGTAAAGAGTTGGCAATCATGTCTGAAAATTCTGCTT[G>A]CAAACGCTGTTGATTCTCCCTGGAAACAGAGTGGGAAGAGAAAATAGAACTTCTCAGCAA-3'

ClinVar aggregate classification (germline): Uncertain significance (1 of 4 stars; one submission).

Submission:

Labcorp Genetics (formerly Invitae), Labcorp
Classification: Uncertain significance. Last evaluated: 2022-09-19. Review status: criteria provided, single submitter. Criteria: Invitae Variant Classification Sherloc (09022015). Collection method: clinical testing. Allele origin: germline.
Comment: This sequence change creates a premature translational stop signal (p.Gln1023*) in the GUCY2C gene. While this is not anticipated to result in nonsense mediated decay, it is expected to disrupt the last 51 amino acid(s) of the GUCY2C protein. This variant is not present in population databases (gnomAD no frequency). This variant has not been reported in the literature in individuals affected with GUCY2C-related conditions. ClinVar contains an entry for this variant (Variation ID: 1020157). Algorithms developed to predict the effect of sequence changes on RNA splicing suggest that this variant may create or strengthen a splice site. In summary, the available evidence is currently insufficient to determine the role of this variant in disease. Therefore, it has been classified as a Variant of Uncertain Significance.